The following is an entry in ClinVar:

ClinVar aggregate classification (germline): Pathogenic (1 of 4 stars; one submission).

Submission:

CeGaT Center for Human Genetics Tuebingen
Classification: Pathogenic. Last evaluated: 2026-06-01. Review status: criteria provided, single submitter. Criteria: CeGaT Center For Human Genetics Tuebingen Variant Classification Criteria Version 2. Collection method: clinical testing. Allele origin: germline. Affected: yes. Observed: 1 variant allele.
Comment: MEF2C: PVS1, PM2

NM_002397.5(MEF2C):c.645del (p.Tyr216fs)

Gene: MEF2C (myocyte enhancer factor 2C; minus strand). Cytogenetic location: 5q14.3.
Variant type: Deletion.
Coding change: c.645del on transcript NM_002397.5 (MANE Select); coding-DNA position 645, one base deleted (G; older notation c.645delG).
Protein change: p.Tyr216fs; shifts the reading frame from tyrosine 216.
Molecular consequence: frameshift variant.
Genome position (GRCh38, 1-based): chr5:88,731,894, C deleted on the plus strand (G on the coding strand, the reverse complement: MEF2C is on the minus strand); the first of 3 consecutive C bases (chr5:88,731,894-88,731,896); deleting any one gives the same sequence. VCF-style (leftmost placement, unchanged base first): chr5-88731893-AC-A. GRCh37 (hg19) VCF-style: chr5-88027710-AC-A.
Other names: c.645del, p.Tyr216fs (NM_001193350.2, NM_001308002.3, NM_001363581.2 and 18 more transcripts); c.639del, p.Tyr214fs (NM_001364343.2, NM_001364352.2, NM_001131005.2); c.501del, p.Tyr168fs (NM_001364344.2, NM_001364354.2, NM_001364355.2 and 3 more transcripts); c.267del, p.Tyr90fs (NM_001364353.2, NM_001364356.2); c.219del, p.Tyr74fs (NM_001364357.2); c.699del, p.Tyr234fs (NM_001193347.1, NM_001364338.2); short protein forms Y168fs, Y214fs, Y216fs, Y234fs, Y74fs, Y90fs.
Identifiers: ClinVar variation 4875144 (VCV004875144.2).